The following is an entry in ClinVar:

ClinVar aggregate classification (germline): Benign (1 of 4 stars; one submission).

Conditions:
Progressive familial intrahepatic cholestasis type 2. Identifiers: Orphanet 79304, MedGen C3489789, MONDO:0011156, OMIM 601847.

Allele frequency attached by ClinVar (database versions not stated): gnomAD 0.00001 and 0.00054; TOPMed 0.00012; 1000 Genomes Project 0.00439; 1000 Genomes Project 30x 0.00468.

Submission:

Illumina Laboratory Services, Illumina
Classification: Benign for Progressive familial intrahepatic cholestasis type 2. Last evaluated: 2017-04-27. Review status: criteria provided, single submitter. Criteria: ICSL Variant Classification Criteria 13 December 2019. Collection method: clinical testing. Allele origin: germline.
Comment: This variant was observed as part of a predisposition screen in an ostensibly healthy population. A literature search was performed for the gene, cDNA change, and amino acid change (where applicable). No publications were found based on this search. Allele frequency data from public databases was too high to be consistent with this variant causing disease. Therefore, this variant is classified as benign.

NM_003742.4(ABCB11):c.-97T>C

Gene: ABCB11 (ATP binding cassette subfamily B member 11; minus strand). Cytogenetic location: 2q31.1.
Variant type: single nucleotide variant.
Coding change: c.-97T>C on transcript NM_003742.4 (MANE Select); 97 bases upstream of the start codon, T replaced by C.
Molecular consequence: 5 prime UTR variant.
Genome position (GRCh38, 1-based): chr2:169,031,294, A>G on the plus strand (T>C on the coding strand, the complement: ABCB11 is on the minus strand). VCF-style: chr2-169031294-A-G. GRCh37 (hg19) VCF-style: chr2-169887804-A-G.
Identifiers: ClinVar variation 893330 (VCV000893330.4), dbSNP rs568098536, ClinGen allele CA59883435.